The following is an entry in ClinVar:

ClinVar aggregate classification (germline): Uncertain significance (1 of 4 stars; one submission).

Allele frequency attached by ClinVar (database versions not stated): TOPMed below 0.00001.

Submission:

Labcorp Genetics (formerly Invitae), Labcorp
Classification: Uncertain significance. Last evaluated: 2022-05-08. Review status: criteria provided, single submitter. Criteria: Invitae Variant Classification Sherloc (09022015). Collection method: clinical testing. Allele origin: germline.
Comment: In summary, the available evidence is currently insufficient to determine the role of this variant in disease. Therefore, it has been classified as a Variant of Uncertain Significance. Advanced modeling of protein sequence and biophysical properties (such as structural, functional, and spatial information, amino acid conservation, physicochemical variation, residue mobility, and thermodynamic stability) performed at Invitae indicates that this missense variant is expected to disrupt KMT2A protein function. This variant has not been reported in the literature in individuals affected with KMT2A-related conditions. This variant is not present in population databases (gnomAD no frequency). This sequence change replaces serine, which is neutral and polar, with cysteine, which is neutral and slightly polar, at codon 3427 of the KMT2A protein (p.Ser3427Cys).

NM_001197104.2(KMT2A):c.10280C>G (p.Ser3427Cys)

Gene: KMT2A (lysine methyltransferase 2A; plus strand). Cytogenetic location: 11q23.3.
Variant type: single nucleotide variant.
Coding change: c.10280C>G on transcript NM_001197104.2 (MANE Select); coding-DNA position 10280, C replaced by G.
Protein change: p.Ser3427Cys; replaces serine 3427 with cysteine.
Molecular consequence: missense variant.
Genome position (GRCh38, 1-based): chr11:118,506,172, C>G. VCF-style: chr11-118506172-C-G. GRCh37 (hg19) VCF-style: chr11-118376887-C-G.
Other names: c.10370C>G, p.Ser3457Cys (NM_001412597.1); c.10271C>G, p.Ser3424Cys (NM_005933.4); short protein forms S3424C, S3427C, S3457C.
Identifiers: ClinVar variation 2135483 (VCV002135483.4), dbSNP rs1950579105, ClinGen allele CA382823143.